The following is an entry in ClinVar:

NM_017780.4(CHD7):c.2199_2201dup (p.Ser734_Pro735insSer)

Gene: CHD7 (chromodomain helicase DNA binding protein 7; plus strand). Cytogenetic location: 8q12.2.
Variant type: Duplication.
Coding change: c.2199_2201dup on transcript NM_017780.4 (MANE Select); coding-DNA positions 2199 to 2201, 3 bases duplicated (ATC; older notation c.2199_2201dupATC).
Protein change: p.Ser734_Pro735insSer.
Molecular consequence: inframe insertion. On other transcripts: intron variant (1).
Genome position (GRCh38, 1-based): chr8:60,795,088-60,795,090, ATC duplicated; duplicating any 3 consecutive bases within chr8:60,795,087-60,795,090 gives the same sequence; the c. name uses the placement nearest the transcript's 3' end. VCF-style (leftmost placement, unchanged base first): chr8-60795086-C-CCAT. GRCh37 (hg19) VCF-style: chr8-61707645-C-CCAT.
Other names: c.1716+14038_1716+14040dup (NM_001316690.1).
Identifiers: ClinVar variation 5007319 (VCV005007319.2).

ClinVar aggregate classification (germline): Uncertain significance (1 of 4 stars; one submission).

Conditions:
CHD7-related CHARGE syndrome. Identifiers: MedGen CN380413, MONDO:1010178, OMIM 214800.
Hypogonadotropic hypogonadism 5 with or without anosmia (KAL5). Also called: HYPOGONADOTROPIC HYPOGONADISM 5 WITH ANOSMIA; HYPOGONADOTROPHIC HYPOGONADISM 5 WITHOUT ANOSMIA; CHD7-Related GnRH Deficiency (Kallmann Syndrome 5). Identifiers: Orphanet 478, MedGen C3552553, MONDO:0012880, OMIM 612370. Disease mechanism: loss of function.

Submission:

Juno Genomics, Hangzhou Juno Genomics, Inc
Classification: Uncertain significance for CHD7-related CHARGE syndrome; Hypogonadotropic hypogonadism 5 with or without anosmia. Review status: criteria provided, single submitter. Criteria: ACMG Guidelines, 2015. Collection method: clinical testing. Allele origin: germline.
Comment: Absent from controls (or at extremely low frequency if recessive) in Genome Aggregation Database.;Protein length changes due to in-frame deletions/insertions in a non-repeat region or stop-loss variants.